The following is an entry in ClinVar:

NM_022841.7(RFX7):c.1970G>T (p.Arg657Ile)

Gene: RFX7 (regulatory factor X7; minus strand). Cytogenetic location: 15q21.3.
Variant type: single nucleotide variant.
Coding change: c.1970G>T on transcript NM_022841.7 (MANE Select); coding-DNA position 1970, G replaced by T.
Protein change: p.Arg657Ile; replaces arginine 657 with isoleucine.
Molecular consequence: missense variant.
Genome position (GRCh38, 1-based): chr15:56,095,758, C>A on the plus strand (G>T on the coding strand, the complement: RFX7 is on the minus strand). VCF-style: chr15-56095758-C-A. GRCh37 (hg19) VCF-style: chr15-56387956-C-A.
Other names: c.1679G>T, p.Arg560Ile (NM_001368073.2, NM_001368074.1, NM_001370554.1); c.1970G>T, p.Arg657Ile (NM_001370561.1); short protein forms R560I, R657I.
Identifiers: ClinVar variation 4755609 (VCV004755609.1).

ClinVar aggregate classification (germline): Uncertain significance (1 of 4 stars; one submission).

Submission:

GeneDx
Classification: Uncertain significance. Last evaluated: 2025-08-08. Review status: criteria provided, single submitter. Criteria: GeneDx Variant Classification Process June 2021. Collection method: clinical testing. Allele origin: germline. Affected: yes.
Comment: Not observed at significant frequency in large population cohorts (gnomAD); In silico analysis suggests that this missense variant does not alter protein structure/function; Has not been previously published as pathogenic or benign to our knowledge